The following is an entry in ClinVar:

ClinVar aggregate classification (germline): Benign/Likely benign. Review status: criteria provided, multiple submitters, no conflicts (2 of 4 stars). 10 submissions from 10 submitters: Benign (7); Likely benign (1). 2 of the submissions do not count toward it. Last evaluated 2026-05-01.

Conditions:
Townes syndrome (TBS). Also called: Townes-Brocks syndrome. Identifiers: Orphanet 857, MedGen C0265246, MeSH C536974, MONDO:0007142.
Townes-Brocks syndrome 1 (TBS1). Also called: DEAFNESS, SENSORINEURAL, WITH IMPERFORATE ANUS AND THUMB ANOMALIES; REAR SYNDROME; RENAL-EAR-ANAL-RADIAL SYNDROME; SALL1-Related Townes-Brocks Syndrome. Identifiers: Orphanet 857, MedGen C4551481, MONDO:0054581, OMIM 107480.

Submissions (10):

CeGaT Center for Human Genetics Tuebingen
Classification: Benign. Last evaluated: 2026-05-01. Review status: criteria provided, single submitter. Criteria: CeGaT Center For Human Genetics Tuebingen Variant Classification Criteria Version 2. Collection method: clinical testing. Allele origin: germline. Affected: yes. Observed: 11 variant alleles.
Comment: SALL1: BS1, BS2

Labcorp Genetics (formerly Invitae), Labcorp
Classification: Benign for Townes syndrome. Last evaluated: 2026-02-01. Review status: criteria provided, single submitter. Criteria: Invitae Variant Classification Sherloc (09022015). Collection method: clinical testing. Allele origin: germline.

Mayo Clinic Laboratories, Mayo Clinic
Classification: Benign. Last evaluated: 2025-07-27. Review status: criteria provided, single submitter. Criteria: ACMG Guidelines, 2015. Collection method: clinical testing. Allele origin: germline. Observed: 2 variant alleles.
Comment: BS1, BS2, BP3

Blueprint Genetics
Classification: Likely benign. Last evaluated: 2024-11-27. Review status: criteria provided, single submitter. Criteria: ACMG Guidelines, 2015. Collection method: clinical testing. Allele origin: germline.

Clinical Genetics DNA and cytogenetics Diagnostics Lab, Erasmus MC, Erasmus Medical Center
Classification: Benign for Townes-Brocks syndrome 1. Last evaluated: 2017-05-31. Review status: criteria provided, single submitter. Criteria: ACGS Guidelines, 2013. Collection method: clinical testing. Allele origin: germline. Affected: yes. Study: VKGL Data-share Consensus.

Eurofins Ntd Llc (ga)
Classification: Benign. Last evaluated: 2016-10-21. Review status: criteria provided, single submitter. Criteria: EGL Classification Definitions 2015. Collection method: clinical testing. Allele origin: germline. Observed: 3 variant alleles, 3 heterozygotes.

GeneDx
Classification: Benign. Last evaluated: 2015-03-03. Review status: criteria provided, single submitter. Criteria: GeneDx Variant Classification Process June 2021. Collection method: clinical testing. Allele origin: germline. Affected: yes.

PreventionGenetics, part of Exact Sciences
Classification: Benign. Review status: criteria provided, single submitter. Criteria: ACMG Guidelines, 2015. Collection method: clinical testing. Allele origin: germline.

Genome Diagnostics Laboratory, University Medical Center Utrecht
Classification: Benign. Review status: no assertion criteria provided. Collection method: clinical testing. Allele origin: germline. Affected: yes. Study: VKGL Data-share Consensus. Not counted in ClinVar's aggregate classification.

Laboratory of Diagnostic Genome Analysis, Leiden University Medical Center (LUMC)
Classification: Likely benign. Review status: no assertion criteria provided. Collection method: clinical testing. Allele origin: germline. Affected: yes. Study: VKGL Data-share Consensus. Not counted in ClinVar's aggregate classification.

Literature cited by the submitters: PubMed 36362878 (cited by Mayo Clinic Laboratories, Mayo Clinic).

NM_002968.3(SALL1):c.448AGC[9] (p.Ser159del)

Gene: SALL1 (spalt like transcription factor 1; minus strand). Cytogenetic location: 16q12.1.
Variant type: Microsatellite.
Coding change: c.448AGC[9] on transcript NM_002968.3 (MANE Select); nine copies in a row of the 3-base unit AGC starting at c.448; the reference has ten copies in a row; one copy, 3 bases deleted; also written c.475_477del.
Protein change: p.Ser159del; deletes serine 159.
Molecular consequence: inframe deletion.
Genome position (GRCh38, 1-based): chr16:51,141,745-51,141,747, GCT deleted on the plus strand (AGC on the coding strand, the reverse complement: SALL1 is on the minus strand); deleting any 3 consecutive bases within chr16:51,141,745-51,141,774 gives the same sequence; the position shown is the placement nearest the transcript's 3' end. VCF-style (leftmost placement, unchanged base first): chr16-51141744-CGCT-C. GRCh37 (hg19) VCF-style: chr16-51175655-CGCT-C.
Other names: p.Ser159del; c.475_477delAGC (NM_002968.2); c.475_477del (NM_002968.3); c.157AGC[9], p.Ser62del (NM_001127892.2); c.184_186delAGC (NM_001127892.1); short protein forms S159del, S62del.
Identifiers: ClinVar variation 195187 (VCV000195187.48), dbSNP rs113614842, ClinGen allele CA241491.